The following is an entry in ClinVar:

ClinVar aggregate classification (germline): Likely benign (1 of 4 stars; one submission).

Allele frequency attached by ClinVar (database versions not stated): gnomAD 0.00407 and 0.00434; TOPMed 0.00450; 1000 Genomes Project 30x 0.00547; 1000 Genomes Project 0.00619.
gnomAD v4.1: 610 of 152,252 alleles (0.4%); highest among the groups gnomAD compares: African/African-American, 1.4%; 4 homozygotes.

Submission:

GeneDx
Classification: Likely benign. Last evaluated: 2018-06-14. Review status: criteria provided, single submitter. Criteria: GeneDx Variant Classification (06012015). Collection method: clinical testing. Allele origin: germline. Affected: yes.
Comment: This variant is considered likely benign or benign based on one or more of the following criteria: it is a conservative change, it occurs at a poorly conserved position in the protein, it is predicted to be benign by multiple in silico algorithms, and/or has population frequency not consistent with disease.

NM_002474.3(MYH11):c.503-163C>A

Gene: MYH11 (myosin heavy chain 11; minus strand). Cytogenetic location: 16p13.11.
Variant type: single nucleotide variant.
Coding change: c.503-163C>A on transcript NM_002474.3 (MANE Select); 163 bases into the intron before coding-DNA position 503, C replaced by A.
Molecular consequence: intron variant.
Genome position (GRCh38, 1-based): chr16:15,798,850, G>T on the plus strand (C>A on the coding strand, the complement: MYH11 is on the minus strand). VCF-style: chr16-15798850-G-T. GRCh37 (hg19) VCF-style: chr16-15892707-G-T.
Other names: c.503-163C>A (NM_022844.3, NM_001040114.2, NM_001040113.2).
Identifiers: ClinVar variation 677641 (VCV000677641.1), dbSNP rs143069739, ClinGen allele CA278608397.
Genomic context (GRCh38, chr16:15,798,850, plus strand): 5'-CATGCTGGCCTCATTGGAAGTGACAACAGGTCAGCTGGGCTCATTGCCCAGGCTACAGGG[G>T]CCACGACCAAAGCCAAAAGGGCAGCCCCAAAGTCCCAGAGGCAGCCCCAGAAAGATGCTG-3'